The following is an entry in ClinVar:

ClinVar aggregate classification (germline): Uncertain significance (1 of 4 stars; one submission).

Conditions:
History of neurodevelopmental disorder. Identifiers: MedGen C2711754.

Submission:

Ambry Genetics
Classification: Uncertain significance for History of neurodevelopmental disorder. Last evaluated: 2017-03-01. Review status: criteria provided, single submitter. Criteria: Ambry Autosomal Dominant and X-Linked criteria (3/2017). Collection method: clinical testing. Allele origin: germline. Observed: 1 variant allele.
Comment: There is insufficient or conflicting evidence for classification of this alteration.

NM_012280.4(FTSJ1):c.205G>T (p.Gly69Cys)

Gene: FTSJ1 (FtsJ RNA 2'-O-methyltransferase 1; plus strand). Cytogenetic location: Xp11.23.
Variant type: single nucleotide variant.
Coding change: c.205G>T on transcript NM_012280.4 (MANE Select); coding-DNA position 205, G replaced by T.
Protein change: p.Gly69Cys; replaces glycine 69 with cysteine.
Molecular consequence: missense variant. On other transcripts: intron variant (1).
Genome position (GRCh38, 1-based): chrX:48,478,630, G>T. VCF-style: chrX-48478630-G-T. GRCh37 (hg19) VCF-style: chrX-48337018-G-T.
Other names: c.205G>T, p.Gly69Cys (NM_001441195.1, NM_001441196.1, NM_001441197.1 and 4 more transcripts); c.-76-408G>T (NM_001282157.2); short protein forms G69C.
Identifiers: ClinVar variation 588851 (VCV000588851.4), dbSNP rs782012239, ClinGen allele CA412854193.